The following is an entry in ClinVar:

ClinVar aggregate classification (germline): Conflicting classifications of pathogenicity. Review status: criteria provided, conflicting classifications (1 of 4 stars). 6 submissions from 6 submitters: Uncertain significance (2); Likely benign (2). 2 of the submissions do not count toward it. Last evaluated 2026-02-01.

Conditions:
TSFM-related disorder. Also called: TSFM-related condition.
Fatal mitochondrial disease due to combined oxidative phosphorylation defect type 3. Also called: Combined oxidative phosphorylation deficiency 3; ENCEPHALOMYOPATHY, RESPIRATORY FAILURE, AND LACTIC ACIDOSIS. Identifiers: Orphanet 168566, MedGen C1864840, MONDO:0012512, OMIM 610505.

Allele frequency attached by ClinVar (database versions not stated): 1000 Genomes Project 30x 0.00016; 1000 Genomes Project 0.00020; ESP Exome Variant Server 0.00100; gnomAD exomes 0.00148; gnomAD 0.00158 and 0.00160; ExAC 0.00167; TOPMed 0.00176.
gnomAD v4.1: 2,319 of 1,602,600 alleles (0.14%); highest among the groups gnomAD compares: Admixed American, 0.34%; 7 homozygotes.

Submissions (6):

Labcorp Genetics (formerly Invitae), Labcorp
Classification: Likely benign. Last evaluated: 2026-02-01. Review status: criteria provided, single submitter. Criteria: Invitae Variant Classification Sherloc (09022015). Collection method: clinical testing. Allele origin: germline.

GeneDx
Classification: Uncertain significance. Last evaluated: 2025-10-07. Review status: criteria provided, single submitter. Criteria: GeneDx Variant Classification Process June 2021. Collection method: clinical testing. Allele origin: germline. Affected: yes.
Comment: Identified in an individual with a suspected mitochondrial disorder in whom a second variant in the TSFM gene was not identified (PMID: 21169334); In silico analysis supports that this missense variant has a deleterious effect on protein structure/function; This variant is associated with the following publications: (PMID: 21169334)

Blueprint Genetics
Classification: Likely benign. Last evaluated: 2024-11-07. Review status: criteria provided, single submitter. Criteria: ACMG Guidelines, 2015. Collection method: clinical testing. Allele origin: germline.

Illumina Laboratory Services, Illumina
Classification: Uncertain significance for Fatal mitochondrial disease due to combined oxidative phosphorylation defect type 3. Last evaluated: 2017-04-27. Review status: criteria provided, single submitter. Criteria: ICSL Variant Classification Criteria 13 December 2019. Collection method: clinical testing. Allele origin: germline.
Comment: This variant was observed as part of a predisposition screen in an ostensibly healthy population. A literature search was performed for the gene, cDNA change, and amino acid change (where applicable). Publications were found based on this search. However, the evidence from the literature, in combination with allele frequency data from public databases where available, was not sufficient to rule this variant in or out of causing disease. Therefore, this variant is classified as a variant of unknown significance.

PreventionGenetics, part of Exact Sciences
Classification: Likely benign for TSFM-related condition. Last evaluated: 2021-07-15. Review status: no assertion criteria provided. Collection method: clinical testing. Allele origin: germline. Not counted in ClinVar's aggregate classification.
Comment: This variant is classified as likely benign based on ACMG/AMP sequence variant interpretation guidelines (Richards et al. 2015 PMID: 25741868, with internal and published modifications).

Mayo Clinic Laboratories, Mayo Clinic
Classification: Uncertain significance. Last evaluated: 2016-03-08. Review status: no assertion criteria provided. Collection method: clinical testing. Allele origin: unknown. Not counted in ClinVar's aggregate classification.

Literature cited by the submitters: PubMed 21169334 (cited by Illumina Laboratory Services, Illumina).

NM_005726.6(TSFM):c.797T>A (p.Leu266His)

Gene: TSFM (Ts translation elongation factor, mitochondrial; plus strand). Cytogenetic location: 12q14.1.
Variant type: single nucleotide variant.
Coding change: c.797T>A on transcript NM_005726.6 (MANE Select); coding-DNA position 797, T replaced by A.
Protein change: p.Leu266His; replaces leucine 266 with histidine.
Molecular consequence: missense variant. On other transcripts: 3 prime UTR variant (1), intron variant (1).
Genome position (GRCh38, 1-based): chr12:57,796,402, T>A. VCF-style: chr12-57796402-T-A. GRCh37 (hg19) VCF-style: chr12-58190185-T-A.
Other names: c.*205T>A (NM_001172695.2); c.860T>A, p.Leu287His (NM_001172696.2); c.571+3329T>A (NM_001172697.2); short protein forms L287H, L266H.
Identifiers: ClinVar variation 559172 (VCV000559172.28), dbSNP rs146777264, ClinGen allele CA6659452.
Genomic context (GRCh38, chr12:57,796,402, plus strand): 5'-AAACAAACCTTGAAGACGTTGGCCGCCGCCTTGGGCAGCATGTGGTGGGCATGGCCCCCC[T>A]CTCTGTTGGCTCCCTGGACGATGAGCCTGGGGGAGAGGCAGAGACTAAGATGCTGTCCCA-3'
Protein context (NP_005717.3, residues 256-276): LGQHVVGMAP[Leu266His]SVGSLDDEPG